The following is an entry in ClinVar:

NM_001267550.2(TTN):c.82106G>A (p.Arg27369Lys)

Genes: TTN (titin; minus strand), TTN-AS1 (TTN antisense RNA 1; plus strand). Cytogenetic location: 2q31.2.
Variant type: single nucleotide variant.
Coding change: c.82106G>A on transcript NM_001267550.2 (MANE Select); coding-DNA position 82106, G replaced by A.
Protein change: p.Arg27369Lys; replaces arginine 27369 with lysine.
Molecular consequence: missense variant.
Genome position (GRCh38, 1-based): chr2:178,564,026, C>T on the plus strand (G>A on the coding strand, the complement: TTN is on the minus strand). VCF-style: chr2-178564026-C-T. GRCh37 (hg19) VCF-style: chr2-179428753-C-T.
Other names: c.77183G>A, p.Arg25728Lys (NM_001256850.1); c.54911G>A, p.Arg18304Lys (NM_003319.4); c.74402G>A, p.Arg24801Lys (NM_133378.4); c.55286G>A, p.Arg18429Lys (NM_133432.3); c.55487G>A, p.Arg18496Lys (NM_133437.4); short protein forms R27369K, R18304K, R25728K, R18429K, R18496K, R24801K.
Identifiers: ClinVar variation 535529 (VCV000535529.7), dbSNP rs774715672, ClinGen allele CA1989117.

ClinVar aggregate classification (germline): Uncertain significance. Review status: criteria provided, multiple submitters, no conflicts (2 of 4 stars). 4 submissions from 4 submitters: Uncertain significance (4). Last evaluated 2026-05-13.

Conditions:
Cardiovascular phenotype. Identifiers: MedGen CN230736.
Dilated cardiomyopathy 1G (CMD1G). Identifiers: Orphanet 154, MedGen C1858763, MONDO:0011400, OMIM 604145.
Autosomal recessive limb-girdle muscular dystrophy type 2J (LGMDR10). Also called: MUSCULAR DYSTROPHY, LIMB-GIRDLE, AUTOSOMAL RECESSIVE 10; Limb-girdle muscular dystrophy, type 2J. Identifiers: Orphanet 140922, MedGen C1837342, MONDO:0012127, OMIM 608807.
TTN-related disorder. Also called: TTN-related condition; TTN-related disease; TTN-related disorders.

Allele frequency attached by ClinVar (database versions not stated): ExAC 0.00001; gnomAD 0.00001; gnomAD exomes 0.00001 and 0.00002; TOPMed 0.00001.

Submissions (4):

PreventionGenetics, part of Exact Sciences
Classification: Uncertain significance for TTN-related condition. Last evaluated: 2026-05-13. Review status: criteria provided, single submitter. Criteria: ACMG Guidelines, 2015. Collection method: clinical testing. Allele origin: germline.
Comment: The TTN c.82106G>A variant is predicted to result in the amino acid substitution p.Arg27369Lys. This variant has been reported in one case of sudden unexplained death (described as p.Arg24801Lys in Table S1, Campuzano et al. 2015. PubMed ID: 26516846). This variant is reported in 0.0087% of alleles in individuals of Latino descent in gnomAD. At this time, the clinical significance of this variant is uncertain due to the absence of conclusive functional and genetic evidence.

Women's Health and Genetics/Laboratory Corporation of America, LabCorp
Classification: Uncertain significance. Last evaluated: 2024-10-24. Review status: criteria provided, single submitter. Criteria: LabCorp Variant Classification Summary - May 2015. Collection method: clinical testing. Allele origin: germline.
Comment: Variant summary: TTN c.74402G>A (p.Arg24801Lys) results in a conservative amino acid change located in the A band region of the encoded protein sequence. Three of four in-silico tools predict a benign effect of the variant on protein function. The variant allele was found at a frequency of 1.6e-05 in 248486 control chromosomes. The available data on variant occurrences in the general population are insufficient to allow any conclusion about variant significance. c.74402G>A has been reported in the literature in at-least one individual affected with sudden death (example:Campuzano _2015). These report(s) do not provide unequivocal conclusions about association of the variant with Limb-Girdle Muscular Dystrophy, Type 2J. To our knowledge, no experimental evidence demonstrating an impact on protein function has been reported. The following publication has been ascertained in the context of this evaluation (PMID: 26516846). ClinVar contains an entry for this variant (Variation ID: 535529). Based on the evidence outlined above, the variant was classified as uncertain significance.

Ambry Genetics
Classification: Uncertain significance for Cardiovascular phenotype. Last evaluated: 2020-08-18. Review status: criteria provided, single submitter. Criteria: Ambry Variant Classification Scheme 2023. Collection method: clinical testing. Allele origin: germline.
Comment: The p.R18304K variant (also known as c.54911G>A), located in coding exon 153 of the TTN gene, results from a G to A substitution at nucleotide position 54911. The arginine at codon 18304 is replaced by lysine, an amino acid with highly similar properties. This amino acid position is highly conserved in available vertebrate species. In addition, this alteration is predicted to be tolerated by in silico analysis. Since supporting evidence is limited at this time, the clinical significance of this alteration remains unclear.

Labcorp Genetics (formerly Invitae), Labcorp
Classification: Uncertain significance for Dilated cardiomyopathy 1G; Autosomal recessive limb-girdle muscular dystrophy type 2J. Last evaluated: 2017-09-06. Review status: criteria provided, single submitter. Criteria: Invitae Variant Classification Sherloc (09022015). Collection method: clinical testing. Allele origin: germline.

Literature cited by the submitters: PubMed 26516846 (cited by Women's Health and Genetics/Laboratory Corporation of America, LabCorp).